The following is an entry in ClinVar:

ClinVar aggregate classification (germline): Uncertain significance. Review status: criteria provided, multiple submitters, no conflicts (2 of 4 stars). 2 submissions from 2 submitters: Uncertain significance (2). Last evaluated 2026-04-28.

Conditions:
Congenital myasthenic syndrome 5. Identifiers: Orphanet 590, MedGen C1864233, MONDO:0011281, OMIM 603034.

Allele frequency attached by ClinVar (database versions not stated): ExAC 0.00002; gnomAD exomes 0.00004; gnomAD 0.00005; TOPMed 0.00005.

Submissions (2):

GeneDx
Classification: Uncertain significance. Last evaluated: 2026-04-28. Review status: criteria provided, single submitter. Criteria: GeneDx Variant Classification Process June 2021. Collection method: clinical testing. Allele origin: germline.
Comment: In silico analysis supports that this missense variant has a deleterious effect on protein structure/function; Has not been previously published as pathogenic or benign to our knowledge

Labcorp Genetics (formerly Invitae), Labcorp
Classification: Uncertain significance for Congenital myasthenic syndrome 5. Last evaluated: 2022-03-18. Review status: criteria provided, single submitter. Criteria: Invitae Variant Classification Sherloc (09022015). Collection method: clinical testing. Allele origin: germline.
Comment: Algorithms developed to predict the effect of missense changes on protein structure and function are either unavailable or do not agree on the potential impact of this missense change (SIFT: "Deleterious"; PolyPhen-2: "Not Available"; Align-GVGD: "Class C0"). This sequence change replaces arginine, which is basic and polar, with cysteine, which is neutral and slightly polar, at codon 399 of the COLQ protein (p.Arg399Cys). This variant is present in population databases (rs779594053, gnomAD 0.02%). This variant has not been reported in the literature in individuals affected with COLQ-related conditions. ClinVar contains an entry for this variant (Variation ID: 658946). Algorithms developed to predict the effect of sequence changes on RNA splicing suggest that this variant may disrupt the consensus splice site. In summary, the available evidence is currently insufficient to determine the role of this variant in disease. Therefore, it has been classified as a Variant of Uncertain Significance.

NM_005677.4(COLQ):c.1195C>T (p.Arg399Cys)

Gene: COLQ (collagen like tail subunit of asymmetric acetylcholinesterase; minus strand). Cytogenetic location: 3p25.1.
Variant type: single nucleotide variant.
Coding change: c.1195C>T on transcript NM_005677.4 (MANE Select); coding-DNA position 1195, C replaced by T.
Protein change: p.Arg399Cys; replaces arginine 399 with cysteine.
Molecular consequence: missense variant.
Genome position (GRCh38, 1-based): chr3:15,455,899, G>A on the plus strand (C>T on the coding strand, the complement: COLQ is on the minus strand). VCF-style: chr3-15455899-G-A. GRCh37 (hg19) VCF-style: chr3-15497406-G-A.
Other names: c.1165C>T, p.Arg389Cys (NM_080538.2); c.1093C>T, p.Arg365Cys (NM_080539.4); short protein forms R399C, R389C, R365C.
Identifiers: ClinVar variation 658946 (VCV000658946.10), dbSNP rs779594053, ClinGen allele CA2275854.